The following is an entry in ClinVar:

NM_006494.4(ERF):c.1029G>C (p.Gln343His)

Gene: ERF (ETS2 repressor factor; minus strand). Cytogenetic location: 19q13.2.
Variant type: single nucleotide variant.
Coding change: c.1029G>C on transcript NM_006494.4 (MANE Select); coding-DNA position 1029, G replaced by C.
Protein change: p.Gln343His; replaces glutamine 343 with histidine.
Molecular consequence: missense variant.
Genome position (GRCh38, 1-based): chr19:42,249,083, C>G on the plus strand (G>C on the coding strand, the complement: ERF is on the minus strand). VCF-style: chr19-42249083-C-G. GRCh37 (hg19) VCF-style: chr19-42753235-C-G.
Other names: c.804G>C, p.Gln268His (NM_001301035.2, NM_001308402.2, NM_001312656.2); short protein forms Q268H, Q343H.
Identifiers: ClinVar variation 3372013 (VCV003372013.1).

ClinVar aggregate classification (germline): Uncertain significance (1 of 4 stars; one submission).

gnomAD v4.1: 2 of 1,613,362 alleles (0.00012%); highest among the groups gnomAD compares: Non-Finnish European, 0.00017%; no homozygotes.

Submission:

GeneDx
Classification: Uncertain significance. Last evaluated: 2024-04-03. Review status: criteria provided, single submitter. Criteria: GeneDx Variant Classification Process June 2021. Collection method: clinical testing. Allele origin: germline. Affected: yes.
Comment: Not observed at significant frequency in large population cohorts (gnomAD); In silico analysis supports that this missense variant does not alter protein structure/function; Has not been previously published as pathogenic or benign to our knowledge